The following is an entry in ClinVar:

ClinVar aggregate classification (germline): Conflicting classifications of pathogenicity. Review status: criteria provided, conflicting classifications (1 of 4 stars). 3 submissions from 3 submitters: Uncertain significance (2); Likely benign (1). Last evaluated 2025-01-27.

Conditions:
Inborn genetic diseases. Identifiers: MedGen C0950123, MeSH D030342.
Charcot-Marie-Tooth disease axonal type 2L. Also called: Charcot-Marie-Tooth Neuropathy Type 2L; CHARCOT-MARIE-TOOTH DISEASE, AXONAL, AUTOSOMAL DOMINANT, TYPE 2L; CHARCOT-MARIE-TOOTH NEUROPATHY, AXONAL, TYPE 2L. Identifiers: Orphanet 99945, MedGen C1837552, MONDO:0012096, OMIM 608673.

Allele frequency attached by ClinVar (database versions not stated): gnomAD exomes 0.00004; ExAC 0.00005; gnomAD 0.00021 and 0.00024; TOPMed 0.00025; ESP Exome Variant Server 0.00046.

Submissions (3):

Labcorp Genetics (formerly Invitae), Labcorp
Classification: Uncertain significance for Charcot-Marie-Tooth disease axonal type 2L. Last evaluated: 2025-01-27. Review status: criteria provided, single submitter. Criteria: Invitae Variant Classification Sherloc (09022015). Collection method: clinical testing. Allele origin: germline.
Comment: This sequence change replaces aspartic acid, which is acidic and polar, with glutamic acid, which is acidic and polar, at codon 38 of the HSPB8 protein (p.Asp38Glu). This variant is present in population databases (rs141871482, gnomAD 0.06%), and has an allele count higher than expected for a pathogenic variant. This missense change has been observed in individual(s) with clinical features of HSPB8-related conditions (PMID: 32376792). ClinVar contains an entry for this variant (Variation ID: 855097). An algorithm developed to predict the effect of missense changes on protein structure and function (PolyPhen-2) suggests that this variant is likely to be tolerated. In summary, the available evidence is currently insufficient to determine the role of this variant in disease. Therefore, it has been classified as a Variant of Uncertain Significance.

Ambry Genetics
Classification: Likely benign for Inborn genetic diseases. Last evaluated: 2020-10-20. Review status: criteria provided, single submitter. Criteria: Ambry Variant Classification Scheme 2023. Collection method: clinical testing. Allele origin: germline.

Breakthrough Genomics
Classification: Uncertain significance. Review status: criteria provided, single submitter. Criteria: ACMG Guidelines, 2015. Collection method: not provided. Allele origin: germline. Inheritance: Autosomal dominant inheritance. Affected: yes.

Literature cited by the submitters: PubMed 32376792 (cited by Labcorp Genetics (formerly Invitae), Labcorp).

NM_014365.3(HSPB8):c.114C>A (p.Asp38Glu)

Gene: HSPB8 (heat shock protein family B (small) member 8; plus strand). Cytogenetic location: 12q24.23.
Variant type: single nucleotide variant.
Coding change: c.114C>A on transcript NM_014365.3 (MANE Select); coding-DNA position 114, C replaced by A.
Protein change: p.Asp38Glu; replaces aspartic acid 38 with glutamic acid.
Molecular consequence: missense variant.
Genome position (GRCh38, 1-based): chr12:119,179,426, C>A. VCF-style: chr12-119179426-C-A. GRCh37 (hg19) VCF-style: chr12-119617231-C-A.
Other names: short protein forms D38E.
Identifiers: ClinVar variation 855097 (VCV000855097.10), dbSNP rs141871482, ClinGen allele CA6819498.